The following is an entry in ClinVar:

ClinVar aggregate classification (germline): Uncertain significance (1 of 4 stars; one submission).

Submissions (2):

CeGaT Center for Human Genetics Tuebingen
Classification: Uncertain significance. Last evaluated: 2023-09-01. Review status: criteria provided, single submitter. Criteria: CeGaT Center For Human Genetics Tuebingen Variant Classification Criteria Version 2. Collection method: clinical testing. Allele origin: germline. Affected: yes. Observed: 1 variant allele.
Comment: KMT2C: PM2

Dr. Peter K. Rogan Lab, Western University
No classification provided (evidence only). Condition: Melanoma. Review status: no classification provided. Collection method: in vitro. Allele origin: not applicable. Functional consequence: retained intron. Not counted in ClinVar's aggregate classification.

NM_170606.3(KMT2C):c.12227G>C (p.Arg4076Thr)

Gene: KMT2C (lysine methyltransferase 2C; minus strand). Cytogenetic location: 7q36.1.
Variant type: single nucleotide variant.
Coding change: c.12227G>C on transcript NM_170606.3 (MANE Select); coding-DNA position 12227, G replaced by C.
Protein change: p.Arg4076Thr; replaces arginine 4076 with threonine.
Molecular consequence: missense variant.
Genome position (GRCh38, 1-based): chr7:152,154,059, C>G on the plus strand (G>C on the coding strand, the complement: KMT2C is on the minus strand). VCF-style: chr7-152154059-C-G. GRCh37 (hg19) VCF-style: chr7-151851144-C-G.
Other names: NC_000007.13:g.151851144C>G; short protein forms R4076T.
Identifiers: ClinVar variation 2658198 (VCV002658198.25), dbSNP rs2487631654, ClinGen allele CA370095997.